The following is an entry in ClinVar:

NM_002853.4(RAD1):c.277T>G (p.Leu93Val)

Genes: RAD1 (RAD1 checkpoint DNA exonuclease; minus strand), TTC23L (tetratricopeptide repeat domain 23 like; plus strand). Cytogenetic location: 5p13.2.
Variant type: single nucleotide variant.
Coding change: c.277T>G on transcript NM_002853.4 (MANE Select); coding-DNA position 277, T replaced by G.
Protein change: p.Leu93Val; replaces leucine 93 with valine.
Molecular consequence: missense variant.
Genome position (GRCh38, 1-based): chr5:34,913,500, A>C on the plus strand (T>G on the coding strand, the complement: RAD1 is on the minus strand). VCF-style: chr5-34913500-A-C. GRCh37 (hg19) VCF-style: chr5-34913605-A-C.
Other names: short protein forms L93V.
Identifiers: ClinVar variation 4981515 (VCV004981515.1).
Genomic context (GRCh38, chr5:34,913,500, plus strand): 5'-TTTTATGTCTTTATACTGATCATAGTTTACCTGGCATAGGACTTGATCCAAAAATAGATA[A>C]ACAGTCTAAAAGGACAGTTAAATTAATTCGAAAAGTAACAGACTCTTCCTGAACTTTAAA-3'
Protein context (NP_002844.1, residues 83-103): RINLTVLLDC[Leu93Val]SIFGSSPMPG

ClinVar aggregate classification (germline): Uncertain significance (1 of 4 stars; one submission).

Conditions:
RAD1-related disorder. Also called: RAD1-related condition.

gnomAD v4.1: 218 of 1,596,074 alleles (0.014%); highest among the groups gnomAD compares: Non-Finnish European, 0.017%; no homozygotes.

Submission:

PreventionGenetics, part of Exact Sciences
Classification: Uncertain significance for RAD1-related condition. Last evaluated: 2025-05-28. Review status: criteria provided, single submitter. Criteria: ACMG Guidelines, 2015. Collection method: clinical testing. Allele origin: germline.
Comment: The RAD1 c.277T>G variant is predicted to result in the amino acid substitution p.Leu93Val. To our knowledge, this variant has not been reported in the literature. This variant is reported in 0.0079% of alleles in individuals of European (Non-Finnish) descent in gnomAD. The the time of reporting, this variant was absent in the ClinVar database. At this time, the clinical significance of this variant is uncertain due to the absence of conclusive functional and genetic evidence.